The following is an entry in ClinVar:

NM_000260.4(MYO7A):c.3607G>T (p.Ala1203Ser)

Gene: MYO7A (myosin VIIA; plus strand). Cytogenetic location: 11q13.5.
Variant type: single nucleotide variant.
Coding change: c.3607G>T on transcript NM_000260.4 (MANE Select); coding-DNA position 3607, G replaced by T.
Protein change: p.Ala1203Ser; replaces alanine 1203 with serine.
Molecular consequence: missense variant.
Genome position (GRCh38, 1-based): chr11:77,189,447, G>T. VCF-style: chr11-77189447-G-T. GRCh37 (hg19) VCF-style: chr11-76900492-G-T.
Other names: c.3607G>T, p.Ala1203Ser (NM_001127180.2); c.3574G>T, p.Ala1192Ser (NM_001369365.1); short protein forms A1192S, A1203S.
Identifiers: ClinVar variation 968694 (VCV000968694.10), dbSNP rs568301918, ClinGen allele CA6198124.

ClinVar aggregate classification (germline): Uncertain significance. Review status: criteria provided, multiple submitters, no conflicts (2 of 4 stars). 4 submissions from 4 submitters: Uncertain significance (3). 1 of the submissions does not count toward it. Last evaluated 2025-11-26.

Conditions:
Inborn genetic diseases. Identifiers: MedGen C0950123, MeSH D030342.
Usher syndrome type 1B (USH1B). Also called: Usher syndrome type IB. Identifiers: MedGen C1848638, MONDO:0700087.

gnomAD v4.1: 10 of 1,613,812 alleles (0.00062%); highest among the groups gnomAD compares: South Asian, 0.0011%; no homozygotes.

Submissions (4):

Ambry Genetics
Classification: Uncertain significance for Inborn genetic diseases. Last evaluated: 2025-11-26. Review status: criteria provided, single submitter. Criteria: Ambry Variant Classification Scheme 2023. Collection method: clinical testing. Allele origin: germline.

Labcorp Genetics (formerly Invitae), Labcorp
Classification: Uncertain significance. Last evaluated: 2021-09-01. Review status: criteria provided, single submitter. Criteria: Invitae Variant Classification Sherloc (09022015). Collection method: clinical testing. Allele origin: germline.
Comment: This sequence change replaces alanine with serine at codon 1203 of the MYO7A protein (p.Ala1203Ser). The alanine residue is highly conserved and there is a moderate physicochemical difference between alanine and serine. This variant is present in population databases (rs568301918, ExAC 0.006%). This variant has not been reported in the literature in individuals affected with MYO7A-related conditions. Algorithms developed to predict the effect of missense changes on protein structure and function output the following: SIFT: "Deleterious"; PolyPhen-2: "Benign"; Align-GVGD: "Class C0". The serine amino acid residue is found in multiple mammalian species, which suggests that this missense change does not adversely affect protein function. In summary, the available evidence is currently insufficient to determine the role of this variant in disease. Therefore, it has been classified as a Variant of Uncertain Significance.

Blueprint Genetics
Classification: Uncertain significance. Last evaluated: 2019-06-13. Review status: criteria provided, single submitter. Criteria: ACMG Guidelines, 2015. Collection method: clinical testing. Allele origin: germline.

Natera, Inc.
Classification: Uncertain significance for Usher syndrome type 1B. Last evaluated: 2020-10-15. Review status: no assertion criteria provided. Collection method: clinical testing. Allele origin: germline. Not counted in ClinVar's aggregate classification.